The following is an entry in ClinVar:

NM_006005.3(WFS1):c.765C>T (p.Ala255=)

Gene: WFS1 (wolframin ER transmembrane glycoprotein; plus strand). Cytogenetic location: 4p16.1.
Variant type: single nucleotide variant.
Coding change: c.765C>T on transcript NM_006005.3 (MANE Select); coding-DNA position 765, C replaced by T.
Protein change: p.Ala255=; no amino-acid change (alanine 255 retained).
Molecular consequence: synonymous variant.
Genome position (GRCh38, 1-based): chr4:6,295,093, C>T. VCF-style: chr4-6295093-C-T. GRCh37 (hg19) VCF-style: chr4-6296820-C-T.
Other names: p.Ala255=; c.765C>T, p.Ala255= (NM_001145853.1).
Identifiers: ClinVar variation 2067367 (VCV002067367.6), dbSNP rs1188757426, ClinGen allele CA438211223.

ClinVar aggregate classification (germline): Likely benign. Review status: criteria provided, multiple submitters, no conflicts (2 of 4 stars). 3 submissions from 3 submitters: Likely benign (3). Last evaluated 2026-01-14.

Allele frequency attached by ClinVar (database versions not stated): TOPMed 0.00003; gnomAD 0.00004; gnomAD exomes 0.00004.
gnomAD v4.1: 73 of 1,613,420 alleles (0.0045%); highest among the groups gnomAD compares: Non-Finnish European, 0.0056%; no homozygotes.

Submissions (3):

Labcorp Genetics (formerly Invitae), Labcorp
Classification: Likely benign. Last evaluated: 2026-01-14. Review status: criteria provided, single submitter. Criteria: Invitae Variant Classification Sherloc (09022015). Collection method: clinical testing. Allele origin: germline.

Mayo Clinic Laboratories, Mayo Clinic
Classification: Likely benign. Last evaluated: 2025-12-07. Review status: criteria provided, single submitter. Criteria: ACMG Guidelines, 2015. Collection method: clinical testing. Allele origin: germline. Observed: 1 variant allele.
Comment: BP4, BP7

Blueprint Genetics
Classification: Likely benign. Last evaluated: 2022-06-30. Review status: criteria provided, single submitter. Criteria: ACMG Guidelines, 2015. Collection method: clinical testing. Allele origin: germline.